The following is an entry in ClinVar:

ClinVar aggregate classification (germline): Uncertain significance. Review status: criteria provided, multiple submitters, no conflicts (2 of 4 stars). 3 submissions from 3 submitters: Uncertain significance (3). Last evaluated 2023-01-27.

Conditions:
Cardiovascular phenotype. Identifiers: MedGen CN230736.

Submissions (3):

Revvity Omics, Revvity
Classification: Uncertain significance. Last evaluated: 2023-01-27. Review status: criteria provided, single submitter. Criteria: ACMG Guidelines, 2015. Collection method: clinical testing. Allele origin: germline.

Ambry Genetics
Classification: Uncertain significance for Cardiovascular phenotype. Last evaluated: 2021-10-26. Review status: criteria provided, single submitter. Criteria: Ambry Variant Classification Scheme 2023. Collection method: clinical testing. Allele origin: germline.
Comment: The c.66686_66691delCTGGTG variant (also known as p.A22229_G22230del) is located in coding exon 166 of the TTN gene. This variant results from an in-frame CTGGTG deletion at nucleotide positions 66686 to 66691. This results in the in-frame deletion of alanine and glycine residues at codons 22229 and 22230. These amino acid positions are highly conserved in available vertebrate species. In addition, this alteration is predicted to be deleterious by in silico analysis (Choi Y et al. PLoS ONE. 2012; 7(10):e46688). Since supporting evidence is limited at this time, the clinical significance of this alteration remains unclear.

Eurofins Ntd Llc (ga)
Classification: Uncertain significance. Last evaluated: 2016-09-25. Review status: criteria provided, single submitter. Criteria: EGL Classification Definitions 2015. Collection method: clinical testing. Allele origin: germline. Observed: 1 variant allele, 1 heterozygote.

NM_001267550.2(TTN):c.93881_93886del (p.Ala31294_Gly31295del)

Genes: TTN (titin; minus strand), TTN-AS1 (TTN antisense RNA 1; plus strand). Cytogenetic location: 2q31.2.
Variant type: Deletion.
Coding change: c.93881_93886del on transcript NM_001267550.2 (MANE Select); coding-DNA positions 93881 to 93886, 6 bases deleted (CTGGTG; older notation c.93881_93886delCTGGTG).
Protein change: p.Ala31294_Gly31295del.
Molecular consequence: inframe deletion.
Genome position (GRCh38, 1-based): chr2:178,547,740-178,547,745, CACCAG deleted on the plus strand (CTGGTG on the coding strand, the reverse complement: TTN is on the minus strand); deleting any 6 consecutive bases within chr2:178,547,740-178,547,746 gives the same sequence; the c. name uses the placement nearest the transcript's 3' end. VCF-style (leftmost placement, unchanged base first): chr2-178547739-ACACCAG-A. GRCh37 (hg19) VCF-style: chr2-179412466-ACACCAG-A.
Other names: c.88958_88963del, p.Ala29653_Gly29654del (NM_001256850.1); c.66686_66691del, p.Ala22229_Gly22230del (NM_003319.4); c.86177_86182del, p.Ala28726_Gly28727del (NM_133378.4); c.67061_67066del, p.Ala22354_Gly22355del (NM_133432.3); c.67262_67267del, p.Ala22421_Gly22422del (NM_133437.4); c.66686_66691delCTGGTG (NM_003319.4).
Identifiers: ClinVar variation 290473 (VCV000290473.10), dbSNP rs772807300, ClinGen allele CA1987230.